The following is an entry in ClinVar:

NM_031935.3(HMCN1):c.10163A>G (p.His3388Arg)

Gene: HMCN1 (hemicentin 1; plus strand). Cytogenetic location: 1q31.1.
Variant type: single nucleotide variant.
Coding change: c.10163A>G on transcript NM_031935.3 (MANE Select); coding-DNA position 10163, A replaced by G.
Protein change: p.His3388Arg; replaces histidine 3388 with arginine.
Molecular consequence: missense variant.
Genome position (GRCh38, 1-based): chr1:186,093,636, A>G. VCF-style: chr1-186093636-A-G. GRCh37 (hg19) VCF-style: chr1-186062768-A-G.
Other names: short protein forms H3388R.
Identifiers: ClinVar variation 3352369 (VCV003352369.3).
Genomic context (GRCh38, chr1:186,093,636, plus strand): 5'-GGACGCCTCCACCACAGATAAACTGGCTGAAGAATGGACTTCCTCTGCCTCTCTCCTCCC[A>G]TATCCGGTTACTGGCAGCAGGACAAGTTATCAGGTCAGCTTTTATTGTGTCTGATTTCCT-3'
Protein context (NP_114141.2, residues 3378-3398): KNGLPLPLSS[His3388Arg]IRLLAAGQVI

ClinVar aggregate classification (germline): Uncertain significance. Review status: criteria provided, single submitter (1 of 4 stars). 2 submissions from 2 submitters: Uncertain significance (1). 1 of the submissions does not count toward it. Last evaluated 2024-12-24.

Conditions:
HMCN1-related disorder. Also called: HMCN1-related condition.

gnomAD v4.1: 25 of 1,613,162 alleles (0.0015%); highest among the groups gnomAD compares: Non-Finnish European, 0.0019%; no homozygotes.

Submissions (2):

Labcorp Genetics (formerly Invitae), Labcorp
Classification: Uncertain significance. Last evaluated: 2024-12-24. Review status: criteria provided, single submitter. Criteria: Invitae Variant Classification Sherloc (09022015). Collection method: clinical testing. Allele origin: germline.
Comment: This sequence change replaces histidine, which is basic and polar, with arginine, which is basic and polar, at codon 3388 of the HMCN1 protein (p.His3388Arg). This variant is present in population databases (rs78771108, gnomAD 0.002%). This variant has not been reported in the literature in individuals affected with HMCN1-related conditions. An algorithm developed to predict the effect of missense changes on protein structure and function outputs the following: PolyPhen-2: "Probably Damaging". The arginine amino acid residue is found in multiple mammalian species, which suggests that this missense change does not adversely affect protein function. In summary, the available evidence is currently insufficient to determine the role of this variant in disease. Therefore, it has been classified as a Variant of Uncertain Significance.

PreventionGenetics, part of Exact Sciences
Classification: Uncertain significance for HMCN1-related condition. Last evaluated: 2024-08-15. Review status: no assertion criteria provided. Collection method: clinical testing. Allele origin: germline. Not counted in ClinVar's aggregate classification.
Comment: The HMCN1 c.10163A>G variant is predicted to result in the amino acid substitution p.His3388Arg. To our knowledge, this variant has not been reported in the literature. This variant is reported in 0.0018% of alleles in individuals of European (Non-Finnish) descent in gnomAD. At this time, the clinical significance of this variant is uncertain due to the absence of conclusive functional and genetic evidence.